The following is an entry in ClinVar:

NM_001365276.2(TNXB):c.4238C>T (p.Pro1413Leu)

Gene: TNXB (tenascin XB; minus strand). Cytogenetic location: 6p21.33.
Variant type: single nucleotide variant.
Coding change: c.4238C>T on transcript NM_001365276.2 (MANE Select); coding-DNA position 4238, C replaced by T.
Protein change: p.Pro1413Leu; replaces proline 1413 with leucine.
Molecular consequence: missense variant.
Genome position (GRCh38, 1-based): chr6:32,079,170, G>A on the plus strand (C>T on the coding strand, the complement: TNXB is on the minus strand). VCF-style: chr6-32079170-G-A. GRCh37 (hg19) VCF-style: chr6-32046947-G-A.
Other names: c.4238C>T, p.Pro1413Leu (NM_019105.8); short protein forms P1413L.
Identifiers: ClinVar variation 1738953 (VCV001738953.2), dbSNP rs2483654069, ClinGen allele CA363428470.

ClinVar aggregate classification (germline): Uncertain significance (1 of 4 stars; one submission).

Conditions:
Cardiovascular phenotype. Identifiers: MedGen CN230736.

Allele frequency attached by ClinVar (database versions not stated): gnomAD exomes below 0.00001.
gnomAD v4.1: 1 of 1,613,800 alleles (0.000062%); highest among the groups gnomAD compares: African/African-American, 0.0013%; no homozygotes.

Submission:

Ambry Genetics
Classification: Uncertain significance for Cardiovascular phenotype. Last evaluated: 2022-08-20. Review status: criteria provided, single submitter. Criteria: Ambry Variant Classification Scheme 2023. Collection method: clinical testing. Allele origin: germline.
Comment: The p.P1413L variant (also known as c.4238C>T), located in coding exon 10 of the TNXB gene, results from a C to T substitution at nucleotide position 4238. The proline at codon 1413 is replaced by leucine, an amino acid with similar properties. This amino acid position is conserved. In addition, this alteration is predicted to be tolerated by in silico analysis. Since supporting evidence is limited at this time, the clinical significance of this alteration remains unclear.